The following is an entry in ClinVar:

ClinVar aggregate classification (germline): Likely benign. Review status: criteria provided, single submitter (1 of 4 stars). 2 submissions from 2 submitters: Likely benign (1). 1 of the submissions does not count toward it. Last evaluated 2023-12-11.

Conditions:
USH2A-related disorder. Also called: USH2A-related condition; USH2A-related disorders. Identifiers: MedGen CN239332.

Allele frequency attached by ClinVar (database versions not stated): gnomAD 0.00002; TOPMed 0.00002; ESP Exome Variant Server 0.00008.
gnomAD v4.1: 41 of 1,613,642 alleles (0.0025%); highest among the groups gnomAD compares: Non-Finnish European, 0.0033%; no homozygotes.

Submissions (2):

Labcorp Genetics (formerly Invitae), Labcorp
Classification: Likely benign. Last evaluated: 2023-12-11. Review status: criteria provided, single submitter. Criteria: Invitae Variant Classification Sherloc (09022015). Collection method: clinical testing. Allele origin: germline.

PreventionGenetics, part of Exact Sciences
Classification: Likely benign for USH2A-related condition. Last evaluated: 2021-03-23. Review status: no assertion criteria provided. Collection method: clinical testing. Allele origin: germline. Not counted in ClinVar's aggregate classification.
Comment: This variant is classified as likely benign based on ACMG/AMP sequence variant interpretation guidelines (Richards et al. 2015 PMID: 25741868, with internal and published modifications).

NM_206933.4(USH2A):c.5643C>T (p.Ser1881=)

Genes: USH2A (usherin; minus strand), USH2A-AS2 (USH2A antisense RNA 2; plus strand). Cytogenetic location: 1q41.
Variant type: single nucleotide variant.
Coding change: c.5643C>T on transcript NM_206933.4 (MANE Select); coding-DNA position 5643, C replaced by T.
Protein change: p.Ser1881=; no amino-acid change (serine 1881 retained).
Molecular consequence: synonymous variant.
Genome position (GRCh38, 1-based): chr1:216,073,230, G>A on the plus strand (C>T on the coding strand, the complement: USH2A is on the minus strand). VCF-style: chr1-216073230-G-A. GRCh37 (hg19) VCF-style: chr1-216246572-G-A.
Other names: c.5643C>T (NM_206933.2).
Identifiers: ClinVar variation 1109874 (VCV001109874.11), dbSNP rs145535748, ClinGen allele CA1395394.